The following is an entry in ClinVar:

ClinVar aggregate classification (germline): Uncertain significance (1 of 4 stars; one submission).

Submission:

Labcorp Genetics (formerly Invitae), Labcorp
Classification: Uncertain significance. Last evaluated: 2026-01-25. Review status: criteria provided, single submitter. Criteria: Invitae Variant Classification Sherloc (09022015). Collection method: clinical testing. Allele origin: germline.
Comment: This sequence change replaces isoleucine, which is neutral and non-polar, with leucine, which is neutral and non-polar, at codon 1148 of the CACNA1D protein (p.Ile1148Leu). This variant is not present in population databases (gnomAD no frequency). This variant has not been reported in the literature in individuals affected with CACNA1D-related conditions. Invitae Evidence Modeling of protein sequence and biophysical properties (such as structural, functional, and spatial information, amino acid conservation, physicochemical variation, residue mobility, and thermodynamic stability) indicates that this missense variant is not expected to disrupt CACNA1D protein function with a negative predictive value of 80%. In summary, the available evidence is currently insufficient to determine the role of this variant in disease. Therefore, it has been classified as a Variant of Uncertain Significance.

NM_001128840.3(CACNA1D):c.3382A>C (p.Ile1128Leu)

Genes: CACNA1D (calcium voltage-gated channel subunit alpha1 D; plus strand), LOC129936904 (ATAC-STARR-seq lymphoblastoid active region 19969; plus strand). Cytogenetic location: 3p21.1.
Variant type: single nucleotide variant.
Coding change: c.3382A>C on transcript NM_001128840.3 (MANE Select); coding-DNA position 3382, A replaced by C.
Protein change: p.Ile1128Leu; replaces isoleucine 1128 with leucine.
Molecular consequence: missense variant.
Genome position (GRCh38, 1-based): chr3:53,749,335, A>C. VCF-style: chr3-53749335-A-C. GRCh37 (hg19) VCF-style: chr3-53783362-A-C.
Other names: c.3442A>C, p.Ile1148Leu (NM_000720.4); c.3382A>C, p.Ile1128Leu (NM_001128839.3); short protein forms I1128L, I1148L.
Identifiers: ClinVar variation 4770256 (VCV004770256.1).